The following is an entry in ClinVar:

NM_002692.4(POLE2):c.625A>G (p.Ser209Gly)

Gene: POLE2 (DNA polymerase epsilon 2, accessory subunit; minus strand). Cytogenetic location: 14q21.3.
Variant type: single nucleotide variant.
Coding change: c.625A>G on transcript NM_002692.4 (MANE Select); coding-DNA position 625, A replaced by G.
Protein change: p.Ser209Gly; replaces serine 209 with glycine.
Molecular consequence: missense variant.
Genome position (GRCh38, 1-based): chr14:49,665,115, T>C on the plus strand (A>G on the coding strand, the complement: POLE2 is on the minus strand). VCF-style: chr14-49665115-T-C. GRCh37 (hg19) VCF-style: chr14-50131833-T-C.
Other names: c.547A>G, p.Ser183Gly (NM_001197330.2); c.625A>G, p.Ser209Gly (NM_001197331.3, NM_001348384.2); c.394A>G, p.Ser132Gly (NM_001348385.2); short protein forms S183G, S209G, S132G.
Identifiers: ClinVar variation 2108608 (VCV002108608.4), dbSNP rs1289249590, ClinGen allele CA389607483.
Genomic context (GRCh38, chr14:49,665,115, plus strand): 5'-TCCCCAATTCACGTAATGCAGATTTTAAAAAATACAGACAAGTGAAGGATATAGCTTTAC[T>C]AAGGTCTAGTTGGACTGTTCCAGTAGGATCTTCCAGAAAAAATTTTCCCTAAAAAAATGA-3'
Protein context (NP_002683.2, residues 199-219): DPTGTVQLDL[Ser209Gly]KAQFHSGLYT

ClinVar aggregate classification (germline): Uncertain significance (1 of 4 stars; one submission).

Submission:

Labcorp Genetics (formerly Invitae), Labcorp
Classification: Uncertain significance. Last evaluated: 2022-03-10. Review status: criteria provided, single submitter. Criteria: Invitae Variant Classification Sherloc (09022015). Collection method: clinical testing. Allele origin: germline.
Comment: This sequence change replaces serine, which is neutral and polar, with glycine, which is neutral and non-polar, at codon 209 of the POLE2 protein (p.Ser209Gly). This variant is not present in population databases (gnomAD no frequency). This variant has not been reported in the literature in individuals affected with POLE2-related conditions. Algorithms developed to predict the effect of missense changes on protein structure and function are either unavailable or do not agree on the potential impact of this missense change (SIFT: "Deleterious"; PolyPhen-2: "Benign"; Align-GVGD: "Class C0"). Algorithms developed to predict the effect of sequence changes on RNA splicing suggest that this variant may create or strengthen a splice site. In summary, the available evidence is currently insufficient to determine the role of this variant in disease. Therefore, it has been classified as a Variant of Uncertain Significance.